The following is an entry in ClinVar:

NM_001371928.1(AHDC1):c.3019A>G (p.Ser1007Gly)

Gene: AHDC1 (AT-hook DNA binding motif containing 1; minus strand). Cytogenetic location: 1p36.11.
Variant type: single nucleotide variant.
Coding change: c.3019A>G on transcript NM_001371928.1 (MANE Select); coding-DNA position 3019, A replaced by G.
Protein change: p.Ser1007Gly; replaces serine 1007 with glycine.
Molecular consequence: missense variant.
Genome position (GRCh38, 1-based): chr1:27,549,097, T>C on the plus strand (A>G on the coding strand, the complement: AHDC1 is on the minus strand). VCF-style: chr1-27549097-T-C. GRCh37 (hg19) VCF-style: chr1-27875608-T-C.
Other names: c.3019A>G, p.Ser1007Gly (NM_001029882.3); short protein forms S1007G.
Identifiers: ClinVar variation 3355789 (VCV003355789.1).

ClinVar aggregate classification (germline): Uncertain significance (0 of 4 stars; one submission).

Conditions:
AHDC1-related disorder. Also called: AHDC1-related condition.

gnomAD v4.1: 8 of 1,553,894 alleles (0.00051%); highest among the groups gnomAD compares: South Asian, 0.0085%; no homozygotes.

Submission:

PreventionGenetics, part of Exact Sciences
Classification: Uncertain significance for AHDC1-related condition. Last evaluated: 2024-07-25. Review status: no assertion criteria provided. Collection method: clinical testing. Allele origin: germline.
Comment: The AHDC1 c.3019A>G variant is predicted to result in the amino acid substitution p.Ser1007Gly. To our knowledge, this variant has not been reported in the literature. This variant is reported in 0.0037% of alleles in individuals of Latino descent in gnomAD. At this time, the clinical significance of this variant is uncertain due to the absence of conclusive functional and genetic evidence.